The following is an entry in ClinVar:

NM_001843.4(CNTN1):c.1966C>T (p.Pro656Ser)

Gene: CNTN1 (contactin 1; plus strand). Cytogenetic location: 12q12.
Variant type: single nucleotide variant.
Coding change: c.1966C>T on transcript NM_001843.4 (MANE Select); coding-DNA position 1966, C replaced by T.
Protein change: p.Pro656Ser; replaces proline 656 with serine.
Molecular consequence: missense variant.
Genome position (GRCh38, 1-based): chr12:40,993,122, C>T. VCF-style: chr12-40993122-C-T. GRCh37 (hg19) VCF-style: chr12-41386924-C-T.
Other names: c.1933C>T, p.Pro645Ser (NM_175038.2); short protein forms P656S, P645S.
Identifiers: ClinVar variation 1439894 (VCV001439894.8), dbSNP rs2120504473, ClinGen allele CA384586095.

ClinVar aggregate classification (germline): Uncertain significance (1 of 4 stars; one submission).

Conditions:
Compton-North congenital myopathy (CMYO12). Identifiers: Orphanet 210163, MedGen C2675527, MONDO:0012929, OMIM 612540.

Submission:

Labcorp Genetics (formerly Invitae), Labcorp
Classification: Uncertain significance for Compton-North congenital myopathy. Last evaluated: 2021-06-10. Review status: criteria provided, single submitter. Criteria: Invitae Variant Classification Sherloc (09022015). Collection method: clinical testing. Allele origin: germline.
Comment: Algorithms developed to predict the effect of missense changes on protein structure and function are either unavailable or do not agree on the potential impact of this missense change (SIFT: "Tolerated"; PolyPhen-2: "Probably Damaging"; Align-GVGD: "Class C0"). In summary, the available evidence is currently insufficient to determine the role of this variant in disease. Therefore, it has been classified as a Variant of Uncertain Significance. This variant has not been reported in the literature in individuals with CNTN1-related conditions. This variant is not present in population databases (ExAC no frequency). This sequence change replaces proline with serine at codon 656 of the CNTN1 protein (p.Pro656Ser). The proline residue is highly conserved and there is a moderate physicochemical difference between proline and serine.